The following is an entry in ClinVar:

NM_001008537.3(NEXMIF):c.4177A>G (p.Arg1393Gly)

Gene: NEXMIF (neurite extension and migration factor; minus strand). Cytogenetic location: Xq13.3.
Variant type: single nucleotide variant.
Coding change: c.4177A>G on transcript NM_001008537.3 (MANE Select); coding-DNA position 4177, A replaced by G.
Protein change: p.Arg1393Gly; replaces arginine 1393 with glycine.
Molecular consequence: missense variant.
Genome position (GRCh38, 1-based): chrX:74,740,380, T>C on the plus strand (A>G on the coding strand, the complement: NEXMIF is on the minus strand). VCF-style: chrX-74740380-T-C. GRCh37 (hg19) VCF-style: chrX-73960215-T-C.
Other names: short protein forms R1393G.
Identifiers: ClinVar variation 653076 (VCV000653076.8), dbSNP rs1602210656, ClinGen allele CA413663857.

ClinVar aggregate classification (germline): Uncertain significance (1 of 4 stars; one submission).

Submission:

Labcorp Genetics (formerly Invitae), Labcorp
Classification: Uncertain significance. Last evaluated: 2018-12-04. Review status: criteria provided, single submitter. Criteria: Invitae Variant Classification Sherloc (09022015). Collection method: clinical testing. Allele origin: germline.
Comment: This sequence change replaces arginine with glycine at codon 1393 of the NEXMIF protein (p.Arg1393Gly). The arginine residue is highly conserved and there is a moderate physicochemical difference between arginine and glycine. This variant is not present in population databases (ExAC no frequency). This variant has not been reported in the literature in individuals with NEXMIF-related conditions. Algorithms developed to predict the effect of missense changes on protein structure and function are either unavailable or do not agree on the potential impact of this missense change (SIFT: "Deleterious"; PolyPhen-2: "Benign"; Align-GVGD: "Class C45"). In summary, the available evidence is currently insufficient to determine the role of this variant in disease. Therefore, it has been classified as a Variant of Uncertain Significance.